The following is an entry in ClinVar:

ClinVar aggregate classification (germline): Uncertain significance (1 of 4 stars; one submission).

Conditions:
Hereditary motor and sensory neuropathy, Okinawa type (HMSNO). Also called: HEREDITARY MOTOR AND SENSORY NEUROPATHY, PROXIMAL TYPE. Identifiers: Orphanet 90117, MedGen C1858338, MONDO:0011468, OMIM 604484.
Hereditary spastic paraplegia 57. Also called: Spastic paraplegia 57, autosomal recessive. Identifiers: Orphanet 431329, MedGen C3714897, MONDO:0014295, OMIM 615658.

Allele frequency attached by ClinVar (database versions not stated): gnomAD 0.00001 and 0.00002; TOPMed 0.00002.

Submission:

Labcorp Genetics (formerly Invitae), Labcorp
Classification: Uncertain significance for Hereditary motor and sensory neuropathy, Okinawa type; Hereditary spastic paraplegia 57. Last evaluated: 2025-11-24. Review status: criteria provided, single submitter. Criteria: Invitae Variant Classification Sherloc (09022015). Collection method: clinical testing. Allele origin: germline.
Comment: This sequence change replaces methionine, which is neutral and non-polar, with leucine, which is neutral and non-polar, at codon 182 of the TFG protein (p.Met182Leu). This variant is present in population databases (rs755242228, gnomAD 0.06%). This variant has not been reported in the literature in individuals affected with TFG-related conditions. ClinVar contains an entry for this variant (Variation ID: 859182). Invitae Evidence Modeling of protein sequence and biophysical properties (such as structural, functional, and spatial information, amino acid conservation, physicochemical variation, residue mobility, and thermodynamic stability) indicates that this missense variant is not expected to disrupt TFG protein function with a negative predictive value of 80%. In summary, the available evidence is currently insufficient to determine the role of this variant in disease. Therefore, it has been classified as a Variant of Uncertain Significance.

NM_006070.6(TFG):c.544A>C (p.Met182Leu)

Gene: TFG (trafficking from ER to golgi regulator; plus strand). Cytogenetic location: 3q12.2.
Variant type: single nucleotide variant.
Coding change: c.544A>C on transcript NM_006070.6 (MANE Select); coding-DNA position 544, A replaced by C.
Protein change: p.Met182Leu; replaces methionine 182 with leucine.
Molecular consequence: missense variant.
Genome position (GRCh38, 1-based): chr3:100,732,636, A>C. VCF-style: chr3-100732636-A-C. GRCh37 (hg19) VCF-style: chr3-100451480-A-C.
Other names: c.544A>C, p.Met182Leu (NM_001007565.2, NM_001195478.2, NM_001195479.2); short protein forms M182L.
Identifiers: ClinVar variation 859182 (VCV000859182.9), dbSNP rs755242228, ClinGen allele CA2517101.
Genomic context (GRCh38, chr3:100,732,636, plus strand): 5'-GCAGCAAGTATGTCTGCTTTTGATCCTTTAAAAAACCAAGATGAAATCAATAAAAATGTT[A>C]TGTCAGCGTTTGGCTTAACAGATGATCAGGTTTCAGGTAAGTTGGTTTCCAACTCCTTTA-3'
Protein context (NP_006061.2, residues 172-192): KNQDEINKNV[Met182Leu]SAFGLTDDQV